The following is an entry in ClinVar:

ClinVar aggregate classification (germline): Pathogenic (1 of 4 stars; one submission).

Conditions:
Alstrom syndrome (ALMS). Identifiers: Orphanet 64, MedGen C0268425, MONDO:0008763, OMIM 203800.

Submission:

Labcorp Genetics (formerly Invitae), Labcorp
Classification: Pathogenic for Alstrom syndrome. Last evaluated: 2023-04-19. Review status: criteria provided, single submitter. Criteria: Invitae Variant Classification Sherloc (09022015). Collection method: clinical testing. Allele origin: germline.
Comment: This variant is not present in population databases (gnomAD no frequency). This sequence change creates a premature translational stop signal (p.Thr619Asnfs*8) in the ALMS1 gene. It is expected to result in an absent or disrupted protein product. Loss-of-function variants in ALMS1 are known to be pathogenic (PMID: 17594715). For these reasons, this variant has been classified as Pathogenic. This variant has not been reported in the literature in individuals affected with ALMS1-related conditions.

Literature cited by the submitters: PubMed 17594715.

NM_001378454.1(ALMS1):c.1850dup (p.Thr618fs)

Gene: ALMS1 (ALMS1 centrosome and basal body associated protein; plus strand). Cytogenetic location: 2p13.1.
Variant type: Duplication.
Coding change: c.1850dup on transcript NM_001378454.1 (MANE Select); coding-DNA position 1850, one base duplicated (T; older notation c.1850dupT).
Protein change: p.Thr618fs; shifts the reading frame from threonine 618.
Molecular consequence: frameshift variant.
Genome position (GRCh38, 1-based): chr2:73,448,377, T duplicated. VCF-style (leftmost placement, unchanged base first): chr2-73448376-C-CT. GRCh37 (hg19) VCF-style: chr2-73675503-C-CT.
Other names: c.1853dup, p.Thr619fs (NM_015120.4); short protein forms T618fs, T619fs.
Identifiers: ClinVar variation 2857512 (VCV002857512.3), dbSNP rs2466092491, ClinGen allele CA2739271078.